The following is an entry in ClinVar:

NM_001042492.3(NF1):c.7160A>C (p.Asn2387Thr)

Gene: NF1 (neurofibromin 1; plus strand). Cytogenetic location: 17q11.2.
Variant type: single nucleotide variant.
Coding change: c.7160A>C on transcript NM_001042492.3 (MANE Select); coding-DNA position 7160, A replaced by C.
Protein change: p.Asn2387Thr; replaces asparagine 2387 with threonine.
Molecular consequence: missense variant.
Genome position (GRCh38, 1-based): chr17:31,343,106, A>C. VCF-style: chr17-31343106-A-C. GRCh37 (hg19) VCF-style: chr17-29670124-A-C.
Other names: c.7097A>C, p.Asn2366Thr (NM_000267.4); short protein forms N2366T, N2387T.
Identifiers: ClinVar variation 858139 (VCV000858139.6), dbSNP rs2069869339, ClinGen allele CA399015726.

ClinVar aggregate classification (germline): Uncertain significance (1 of 4 stars; one submission).

Conditions:
Neurofibromatosis, type 1 (NF1). Also called: Neurofibromatosis, type I; VON RECKLINGHAUSEN DISEASE; Peripheral type neurofibromatosis; NEUROFIBROMATOSIS, TYPE I, SOMATIC. Identifiers: Orphanet 636, MedGen C0027831, MONDO:0018975, OMIM 162200. Disease mechanism: loss of function.

Submission:

Labcorp Genetics (formerly Invitae), Labcorp
Classification: Uncertain significance for Neurofibromatosis, type 1. Last evaluated: 2019-01-28. Review status: criteria provided, single submitter. Criteria: Invitae Variant Classification Sherloc (09022015). Collection method: clinical testing. Allele origin: germline.
Comment: This sequence change replaces asparagine with threonine at codon 2366 of the NF1 protein (p.Asn2366Thr). The asparagine residue is moderately conserved and there is a small physicochemical difference between asparagine and threonine. This variant is not present in population databases (ExAC no frequency). This variant has not been reported in the literature in individuals with NF1-related conditions. Algorithms developed to predict the effect of missense changes on protein structure and function are either unavailable or do not agree on the potential impact of this missense change (SIFT: "Tolerated"; PolyPhen-2: "Possibly Damaging"; Align-GVGD: "Class C0"). In summary, the available evidence is currently insufficient to determine the role of this variant in disease. Therefore, it has been classified as a Variant of Uncertain Significance.